The following is an entry in ClinVar:

ClinVar aggregate classification (germline): Uncertain significance (1 of 4 stars; one submission).

Conditions:
Tuberous sclerosis 1 (TSC1). Identifiers: Orphanet 805, MedGen C1854465, MONDO:0008612, OMIM 191100.

Submission:

Labcorp Genetics (formerly Invitae), Labcorp
Classification: Uncertain significance for Tuberous sclerosis 1. Last evaluated: 2024-11-14. Review status: criteria provided, single submitter. Criteria: Invitae Variant Classification Sherloc (09022015). Collection method: clinical testing. Allele origin: germline.
Comment: This sequence change replaces alanine, which is neutral and non-polar, with proline, which is neutral and non-polar, at codon 1026 of the TSC1 protein (p.Ala1026Pro). This variant is not present in population databases (gnomAD no frequency). This variant has not been reported in the literature in individuals affected with TSC1-related conditions. Invitae Evidence Modeling of protein sequence and biophysical properties (such as structural, functional, and spatial information, amino acid conservation, physicochemical variation, residue mobility, and thermodynamic stability) indicates that this missense variant is not expected to disrupt TSC1 protein function with a negative predictive value of 95%. In summary, the available evidence is currently insufficient to determine the role of this variant in disease. Therefore, it has been classified as a Variant of Uncertain Significance.

NM_000368.5(TSC1):c.3076G>C (p.Ala1026Pro)

Gene: TSC1 (TSC complex subunit 1; minus strand). Cytogenetic location: 9q34.13.
Variant type: single nucleotide variant.
Coding change: c.3076G>C on transcript NM_000368.5 (MANE Select); coding-DNA position 3076, G replaced by C.
Protein change: p.Ala1026Pro; replaces alanine 1026 with proline.
Molecular consequence: missense variant. On other transcripts: non-coding transcript variant (5).
Genome position (GRCh38, 1-based): chr9:132,896,654, C>G on the plus strand (G>C on the coding strand, the complement: TSC1 is on the minus strand). VCF-style: chr9-132896654-C-G. GRCh37 (hg19) VCF-style: chr9-135772041-C-G.
Other names: c.2713G>C, p.Ala905Pro (NM_001406619.1, NM_001362177.2, NM_001406614.1 and 4 more transcripts); c.2710G>C, p.Ala904Pro (NM_001406620.1, NM_001406621.1, NM_001406622.1 and 1 more transcripts); c.2671G>C, p.Ala891Pro (NM_001406624.1); c.2668G>C, p.Ala890Pro (NM_001406625.1); c.2125G>C, p.Ala709Pro (NM_001406626.1); c.2122G>C, p.Ala708Pro (NM_001406627.1, NM_001406628.1); c.3073G>C, p.Ala1025Pro (NM_001162426.2, NM_001406597.1, NM_001406598.1 and 2 more transcripts); c.2923G>C, p.Ala975Pro (NM_001162427.2, NM_001406610.1); and 8 more; short protein forms A1020P, A675P, A960P, A1021P, A708P, A709P, A905P, A974P.
Identifiers: ClinVar variation 3720834 (VCV003720834.2).